The following is an entry in ClinVar:

ClinVar aggregate classification (germline): Pathogenic. Review status: criteria provided, single submitter (1 of 4 stars). 2 submissions from 2 submitters: Pathogenic (1). 1 of the submissions does not count toward it. Last evaluated 2025-05-27.

Conditions:
Chromosome 15q11.2 deletion syndrome. Identifiers: Orphanet 261183, MedGen C3180937, MONDO:0014294, OMIM 615656.

Submissions (2):

Department of Paediatrics at Addenbrookes, Cambridge University Hospitals NHS Foundation Trust (UK)
Classification: Pathogenic. Last evaluated: 2025-05-27. Review status: criteria provided, single submitter. Criteria: Durkie Uk Practice Guidelines For Variant Classification V12 2024 (1). Collection method: clinical testing. Allele origin: unknown.

Center for Human Genetics and Genomic Medicine, Uniklinik Rwth Aachen
Classification: Uncertain significance for Chromosome 15q11.2 deletion syndrome. Review status: no assertion criteria provided. Collection method: clinical testing. Allele origin: maternal. Inheritance: Autosomal dominant inheritance. Affected: yes. Not counted in ClinVar's aggregate classification.
Comment: Deletions within the breakpoint BP1 and BP2 on chromosome 15 are associated with the 15q11.2 deletion syndrome. The CNV was ranked as variant of unknown significance due to the inheritance from an unaffected parent.

Literature cited by the submitters: PubMed 36901699 (cited by Center for Human Genetics and Genomic Medicine, Uniklinik Rwth Aachen).

Single allele

Genes: CYFIP1 (cytoplasmic FMR1 interacting protein 1; minus strand), NIPA1 (NIPA magnesium transporter 1; plus strand), NIPA2 (NIPA magnesium transporter 2; plus strand), TUBGCP5 (tubulin gamma complex component 5; minus strand), LOC112272575 (Sharpr-MPRA regulatory region 8478; plus strand) and 15 more. Cytogenetic location: 15q11.2.
Variant type: Deletion.
Identifiers: ClinVar variation 3338424 (VCV003338424.2).